The following is an entry in ClinVar:

NM_000051.4(ATM):c.6803C>G (p.Thr2268Ser)

Genes: ATM (ATM serine/threonine kinase; plus strand), C11orf65 (chromosome 11 open reading frame 65; minus strand). Cytogenetic location: 11q22.3.
Variant type: single nucleotide variant.
Coding change: c.6803C>G on transcript NM_000051.4 (MANE Select); coding-DNA position 6803, C replaced by G.
Protein change: p.Thr2268Ser; replaces threonine 2268 with serine.
Molecular consequence: missense variant. On other transcripts: intron variant (2).
Genome position (GRCh38, 1-based): chr11:108,325,540, C>G. VCF-style: chr11-108325540-C-G. GRCh37 (hg19) VCF-style: chr11-108196267-C-G.
Other names: c.6803C>G, p.Thr2268Ser (NM_001351834.2); c.641-16469G>C (NM_001330368.2); c.*38+9680G>C (NM_001351110.2); short protein forms T2268S.
Identifiers: ClinVar variation 927939 (VCV000927939.6), dbSNP rs2085584695, ClinGen allele CA382555602.

ClinVar aggregate classification (germline): Uncertain significance. Review status: criteria provided, multiple submitters, no conflicts (2 of 4 stars). 2 submissions from 2 submitters: Uncertain significance (2). Last evaluated 2024-11-14.

Conditions:
Hereditary cancer-predisposing syndrome. Also called: Tumor predisposition; Neoplastic Syndromes, Hereditary; Hereditary neoplastic syndrome; Hereditary Cancer Syndrome. Identifiers: Orphanet 140162, MedGen C0027672, MeSH D009386, MONDO:0015356.

Submissions (2):

Ambry Genetics
Classification: Uncertain significance for Hereditary cancer-predisposing syndrome. Last evaluated: 2024-11-14. Review status: criteria provided, single submitter. Criteria: Ambry Variant Classification Scheme 2023. Collection method: clinical testing. Allele origin: germline.
Comment: The p.T2268S variant (also known as c.6803C>G), located in coding exon 45 of the ATM gene, results from a C to G substitution at nucleotide position 6803. The threonine at codon 2268 is replaced by serine, an amino acid with similar properties. This amino acid position is highly conserved in available vertebrate species. In addition, the in silico prediction for this alteration is inconclusive. Based on the available evidence, the clinical significance of this variant remains unclear.

Color Diagnostics, LLC DBA Color Health
Classification: Uncertain significance for Hereditary cancer-predisposing syndrome. Last evaluated: 2023-12-04. Review status: criteria provided, single submitter. Criteria: ACMG Guidelines, 2015. Collection method: clinical testing. Allele origin: germline.
Comment: This missense variant replaces threonine with serine at codon 2268 of the ATM protein. Computational prediction suggests that this variant may not impact protein structure and function (internally defined REVEL score threshold <= 0.5, PMID: 27666373). To our knowledge, functional studies have not been reported for this variant. This variant has not been reported in individuals affected with ATM-related disorders in the literature. This variant has not been identified in the general population by the Genome Aggregation Database (gnomAD). The available evidence is insufficient to determine the role of this variant in disease conclusively. Therefore, this variant is classified as a Variant of Uncertain Significance.